The following is an entry in ClinVar:

ClinVar aggregate classification (germline): Uncertain significance (1 of 4 stars; one submission).

Conditions:
Peutz-Jeghers syndrome (PJS). Also called: POLYPOSIS, HAMARTOMATOUS INTESTINAL; POLYPS-AND-SPOTS SYNDROME; Peutz-Jeghers polyposis; Periorificial lentiginosis syndrome. Identifiers: Orphanet 2869, MedGen C0031269, MeSH D010580, MONDO:0008280, OMIM 175200.

Submission:

Labcorp Genetics (formerly Invitae), Labcorp
Classification: Uncertain significance for Peutz-Jeghers syndrome. Last evaluated: 2023-01-08. Review status: criteria provided, single submitter. Criteria: Invitae Variant Classification Sherloc (09022015). Collection method: clinical testing. Allele origin: germline.
Comment: This sequence change replaces threonine, which is neutral and polar, with isoleucine, which is neutral and non-polar, at codon 186 of the STK11 protein (p.Thr186Ile). This variant is not present in population databases (gnomAD no frequency). This variant has not been reported in the literature in individuals affected with STK11-related conditions. Advanced modeling of protein sequence and biophysical properties (such as structural, functional, and spatial information, amino acid conservation, physicochemical variation, residue mobility, and thermodynamic stability) has been performed at Invitae for this missense variant, however the output from this modeling did not meet the statistical confidence thresholds required to predict the impact of this variant on STK11 protein function. In summary, the available evidence is currently insufficient to determine the role of this variant in disease. Therefore, it has been classified as a Variant of Uncertain Significance.

NM_000455.5(STK11):c.557C>T (p.Thr186Ile)

Gene: STK11 (serine/threonine kinase 11; plus strand). Cytogenetic location: 19p13.3.
Variant type: single nucleotide variant.
Coding change: c.557C>T on transcript NM_000455.5 (MANE Select); coding-DNA position 557, C replaced by T.
Protein change: p.Thr186Ile; replaces threonine 186 with isoleucine.
Molecular consequence: missense variant. On other transcripts: non-coding transcript variant (1).
Genome position (GRCh38, 1-based): chr19:1,220,465, C>T. VCF-style: chr19-1220465-C-T. GRCh37 (hg19) VCF-style: chr19-1220464-C-T.
Other names: c.557C>T, p.Thr186Ile (NM_001407255.1); short protein forms T186I.
Identifiers: ClinVar variation 2827105 (VCV002827105.3), dbSNP rs2080774765, ClinGen allele CA402949164.
Genomic context (GRCh38, chr19:1,220,465, plus strand): 5'-ACCTGCATAGCCAGGGCATTGTGCACAAGGACATCAAGCCGGGGAACCTGCTGCTCACCA[C>T]CGGTGGCACCCTCAAAATCTCCGACCTGGGCGTGGCCGAGGTAGGCACGTGCTAGGGGGG-3'
Protein context (NP_000446.1, residues 176-196): DIKPGNLLLT[Thr186Ile]GGTLKISDLG